The following is an entry in ClinVar:

ClinVar aggregate classification (germline): Benign (1 of 4 stars; one submission).

Allele frequency attached by ClinVar (database versions not stated): gnomAD 0.02160; TOPMed 0.02495 and 0.02577; 1000 Genomes Project 0.02536.
gnomAD v4.1: 3,601 of 152,072 alleles (2.4%); highest among the groups gnomAD compares: African/African-American, 7%; 127 homozygotes.

Submission:

GeneDx
Classification: Benign. Last evaluated: 2018-06-19. Review status: criteria provided, single submitter. Criteria: GeneDx Variant Classification (06012015). Collection method: clinical testing. Allele origin: germline. Affected: yes.
Comment: This variant is considered likely benign or benign based on one or more of the following criteria: it is a conservative change, it occurs at a poorly conserved position in the protein, it is predicted to be benign by multiple in silico algorithms, and/or has population frequency not consistent with disease.

NM_001851.6(COL9A1):c.1030-301G>A

Gene: COL9A1 (collagen type IX alpha 1 chain; minus strand). Cytogenetic location: 6q13.
Variant type: single nucleotide variant.
Coding change: c.1030-301G>A on transcript NM_001851.6 (MANE Select); 301 bases into the intron before coding-DNA position 1030, G replaced by A.
Molecular consequence: intron variant.
Genome position (GRCh38, 1-based): chr6:70,274,383, C>T on the plus strand (G>A on the coding strand, the complement: COL9A1 is on the minus strand). VCF-style: chr6-70274383-C-T. GRCh37 (hg19) VCF-style: chr6-70984086-C-T.
Other names: c.301-301G>A (NM_001377290.1, NM_078485.4, NM_001377289.1).
Identifiers: ClinVar variation 674278 (VCV000674278.1), dbSNP rs112075981, ClinGen allele CA140818116.